The following is an entry in ClinVar:

ClinVar aggregate classification (germline): Uncertain significance (1 of 4 stars; one submission).

Submission:

Laboratorio de Genetica e Diagnostico Molecular, Hospital Israelita Albert Einstein
Classification: Uncertain significance. Last evaluated: 2021-07-17. Review status: criteria provided, single submitter. Criteria: ACMG Guidelines, 2015. Collection method: clinical testing. Allele origin: germline. Affected: yes.
Comment: ACMG classification criteria: PM2, PP2, PP3

NM_001081550.2(THOC2):c.2684C>A (p.Pro895Gln)

Gene: THOC2 (THO complex subunit 2; minus strand). Cytogenetic location: Xq25.
Variant type: single nucleotide variant.
Coding change: c.2684C>A on transcript NM_001081550.2 (MANE Select); coding-DNA position 2684, C replaced by A.
Protein change: p.Pro895Gln; replaces proline 895 with glutamine.
Molecular consequence: missense variant.
Genome position (GRCh38, 1-based): chrX:123,627,766, G>T on the plus strand (C>A on the coding strand, the complement: THOC2 is on the minus strand). VCF-style: chrX-123627766-G-T. GRCh37 (hg19) VCF-style: chrX-122761617-G-T.
Other names: short protein forms P895Q.
Identifiers: ClinVar variation 1690416 (VCV001690416.2), dbSNP rs2147617020, ClinGen allele CA414266805.
Genomic context (GRCh38, chrX:123,627,766, plus strand): 5'-TCATCAATTGCTTTCATCTGGACTTTAAGTTTATTGACTTCTCGTTCATAGCTGGTGTGT[G>T]GAACTGCAAGGTCATACATTGTCAATGACCAGAATGTAGCATAGAATTGAGGGCTGATGT-3'
Protein context (NP_001075019.1, residues 885-905): WSLTMYDLAV[Pro895Gln]HTSYEREVNK